The following is an entry in ClinVar:

ClinVar aggregate classification (germline): Likely benign. Review status: criteria provided, multiple submitters, no conflicts (2 of 4 stars). 3 submissions from 3 submitters: Likely benign (2). 1 of the submissions does not count toward it. Last evaluated 2025-12-02.

Conditions:
SAMD11-related disorder. Also called: SAMD11-related condition.

Allele frequency attached by ClinVar (database versions not stated): ExAC 0.00003; gnomAD exomes 0.00003 and 0.00009; TOPMed 0.00009; gnomAD 0.00011; ESP Exome Variant Server 0.00015.
gnomAD v4.1: 143 of 1,612,750 alleles (0.0089%); highest among the groups gnomAD compares: Middle Eastern, 0.016%; no homozygotes.

Submissions (3):

Labcorp Genetics (formerly Invitae), Labcorp
Classification: Likely benign. Last evaluated: 2025-12-02. Review status: criteria provided, single submitter. Criteria: Invitae Variant Classification Sherloc (09022015). Collection method: clinical testing. Allele origin: germline.

Blueprint Genetics
Classification: Likely benign. Last evaluated: 2024-03-14. Review status: criteria provided, single submitter. Criteria: ACMG Guidelines, 2015. Collection method: clinical testing. Allele origin: germline.

PreventionGenetics, part of Exact Sciences
Classification: Likely benign for SAMD11-related condition. Last evaluated: 2019-04-12. Review status: no assertion criteria provided. Collection method: clinical testing. Allele origin: germline. Not counted in ClinVar's aggregate classification.
Comment: This variant is classified as likely benign based on ACMG/AMP sequence variant interpretation guidelines (Richards et al. 2015 PMID: 25741868, with internal and published modifications).

NM_001385641.1(SAMD11):c.943C>T (p.Leu315=)

Gene: SAMD11 (sterile alpha motif domain containing 11; plus strand). Cytogenetic location: 1p36.33.
Variant type: single nucleotide variant.
Coding change: c.943C>T on transcript NM_001385641.1 (MANE Select); coding-DNA position 943, C replaced by T.
Protein change: p.Leu315=; no amino-acid change (leucine 315 retained).
Molecular consequence: synonymous variant.
Genome position (GRCh38, 1-based): chr1:935,872, C>T. VCF-style: chr1-935872-C-T. GRCh37 (hg19) VCF-style: chr1-871252-C-T.
Other names: c.943C>T, p.Leu315= (NM_001385640.1); c.406C>T, p.Leu136= (NM_152486.4); c.406C>T (NM_152486.2).
Identifiers: ClinVar variation 1144475 (VCV001144475.12), dbSNP rs149145706, ClinGen allele CA502592.
Genomic context (GRCh38, chr1:935,872, plus strand): 5'-CGCAGCCGCCACCTCGTTATGCCCGAGCATCAGAGCCGCTGTGAATTCCAGAGAGGCAGC[C>T]TGGAGATTGGCCTGCGACCCGCCGGTGAGGAGCACAGGGGGCCTGAGGGCGGGGTCGGGG-3'
Protein context (NP_001372570.1, residues 305-325): QSRCEFQRGS[Leu315=]EIGLRPAGDL